The following is an entry in ClinVar:

NM_000494.4(COL17A1):c.3277+2_3277+3del

Gene: COL17A1 (collagen type XVII alpha 1 chain; minus strand). Cytogenetic location: 10q25.1.
Variant type: Deletion.
Coding change: c.3277+2_3277+3del on transcript NM_000494.4 (MANE Select); the canonical splice donor site of the intron after coding-DNA position 3277 through 3 bases into the intron after coding-DNA position 3277, 2 bases deleted (TG; older notation c.3277+2_3277+3delTG).
Molecular consequence: splice donor variant.
Genome position (GRCh38, 1-based): chr10:104,037,042-104,037,043, CA deleted on the plus strand (TG on the coding strand, the reverse complement: COL17A1 is on the minus strand); deleting any 2 consecutive bases within chr10:104,037,042-104,037,044 gives the same sequence; the c. name uses the placement nearest the transcript's 3' end. VCF-style (leftmost placement, unchanged base first): chr10-104037041-TCA-T. GRCh37 (hg19) VCF-style: chr10-105796799-TCA-T.
Identifiers: ClinVar variation 2735998 (VCV002735998.3), dbSNP rs1468188619, ClinGen allele CA595673561.

ClinVar aggregate classification (germline): Likely pathogenic (1 of 4 stars; one submission).

Submission:

Labcorp Genetics (formerly Invitae), Labcorp
Classification: Likely pathogenic. Last evaluated: 2023-05-27. Review status: criteria provided, single submitter. Criteria: Invitae Variant Classification Sherloc (09022015). Collection method: clinical testing. Allele origin: germline.
Comment: In summary, the currently available evidence indicates that the variant is pathogenic, but additional data are needed to prove that conclusively. Therefore, this variant has been classified as Likely Pathogenic. Algorithms developed to predict the effect of sequence changes on RNA splicing suggest that this variant may disrupt the consensus splice site. This variant has not been reported in the literature in individuals affected with COL17A1-related conditions. This variant is present in population databases (no rsID available, gnomAD 0.002%). This sequence change affects a splice site in intron 47 of the COL17A1 gene. It is expected to disrupt RNA splicing. Variants that disrupt the donor or acceptor splice site typically lead to a loss of protein function (PMID: 16199547), and loss-of-function variants in COL17A1 are known to be pathogenic (PMID: 16473856, 17344927, 20301304, 21357940, 24319098).

Literature cited by the submitters: PubMed 16199547; PubMed 16473856; PubMed 17344927; PubMed 20301304; PubMed 21357940; PubMed 24319098.